The following is an entry in ClinVar:

NM_014285.7(EXOSC2):c.452A>T (p.Asp151Val)

Gene: EXOSC2 (exosome component 2; plus strand). Cytogenetic location: 9q34.12.
Variant type: single nucleotide variant.
Coding change: c.452A>T on transcript NM_014285.7 (MANE Select); coding-DNA position 452, A replaced by T.
Protein change: p.Asp151Val; replaces aspartic acid 151 with valine.
Molecular consequence: missense variant. On other transcripts: intron variant (1).
Genome position (GRCh38, 1-based): chr9:130,700,892, A>T. VCF-style: chr9-130700892-A-T. GRCh37 (hg19) VCF-style: chr9-133576279-A-T.
Other names: c.362A>T, p.Asp121Val (NM_001282709.1); c.427-1251A>T (NM_001282708.1); short protein forms D121V, D151V.
Identifiers: ClinVar variation 3680381 (VCV003680381.2).

ClinVar aggregate classification (germline): Uncertain significance (1 of 4 stars; one submission).

Submission:

Labcorp Genetics (formerly Invitae), Labcorp
Classification: Uncertain significance. Last evaluated: 2024-04-07. Review status: criteria provided, single submitter. Criteria: Invitae Variant Classification Sherloc (09022015). Collection method: clinical testing. Allele origin: germline.
Comment: This sequence change replaces aspartic acid, which is acidic and polar, with valine, which is neutral and non-polar, at codon 151 of the EXOSC2 protein (p.Asp151Val). This variant is not present in population databases (gnomAD no frequency). This variant has not been reported in the literature in individuals affected with EXOSC2-related conditions. Advanced modeling of protein sequence and biophysical properties (such as structural, functional, and spatial information, amino acid conservation, physicochemical variation, residue mobility, and thermodynamic stability) performed at Invitae indicates that this missense variant is expected to disrupt EXOSC2 protein function with a positive predictive value of 80%. In summary, the available evidence is currently insufficient to determine the role of this variant in disease. Therefore, it has been classified as a Variant of Uncertain Significance.